The following is an entry in ClinVar:

ClinVar aggregate classification (germline): Uncertain significance (1 of 4 stars; one submission).

Conditions:
Familial adenomatous polyposis 1 (FAP1). Also called: FAMILIAL ADENOMATOUS POLYPOSIS 1, ATTENUATED; POLYPOSIS, ADENOMATOUS INTESTINAL. Identifiers: MedGen C2713442, MONDO:0021056, OMIM 175100. Disease mechanism: loss of function.

Submission:

Labcorp Genetics (formerly Invitae), Labcorp
Classification: Uncertain significance for Familial adenomatous polyposis 1. Last evaluated: 2020-10-14. Review status: criteria provided, single submitter. Criteria: Invitae Variant Classification Sherloc (09022015). Collection method: clinical testing. Allele origin: germline.
Comment: This variant is not present in population databases (ExAC no frequency). In summary, the available evidence is currently insufficient to determine the role of this variant in disease. Therefore, it has been classified as a Variant of Uncertain Significance. Algorithms developed to predict the effect of missense changes on protein structure and function are either unavailable or do not agree on the potential impact of this missense change (SIFT: "Deleterious"; PolyPhen-2: "Benign"; Align-GVGD: "Class C25"). This variant has not been reported in the literature in individuals with APC-related conditions. This sequence change replaces glycine with arginine at codon 2211 of the APC protein (p.Gly2211Arg). The glycine residue is weakly conserved and there is a moderate physicochemical difference between glycine and arginine.

NM_000038.6(APC):c.6631G>C (p.Gly2211Arg)

Gene: APC (APC regulator of Wnt signaling pathway; plus strand). Cytogenetic location: 5q22.2.
Variant type: single nucleotide variant.
Coding change: c.6631G>C on transcript NM_000038.6 (MANE Select); coding-DNA position 6631, G replaced by C.
Protein change: p.Gly2211Arg; replaces glycine 2211 with arginine.
Molecular consequence: missense variant.
Genome position (GRCh38, 1-based): chr5:112,842,225, G>C. VCF-style: chr5-112842225-G-C. GRCh37 (hg19) VCF-style: chr5-112177922-G-C.
Other names: c.6151G>C, p.Gly2051Arg (NM_001354905.2); c.5782G>C, p.Gly1928Arg (NM_001354906.2); c.6631G>C, p.Gly2211Arg (NM_001127510.3, NM_001354895.2); c.6577G>C, p.Gly2193Arg (NM_001127511.3); c.6685G>C, p.Gly2229Arg (NM_001354896.2); c.6661G>C, p.Gly2221Arg (NM_001354897.2); c.6556G>C, p.Gly2186Arg (NM_001354898.2); c.6547G>C, p.Gly2183Arg (NM_001354899.2); and 5 more; short protein forms G1928R, G2051R, G2085R, G2110R, G2120R, G2152R, G2170R, G2183R.
Identifiers: ClinVar variation 1025589 (VCV001025589.10), dbSNP rs1766264872, ClinGen allele CA16035835.